The following is an entry in ClinVar:

NM_004629.2(FANCG):c.1603C>T (p.Gln535Ter)

Gene: FANCG (FA complementation group G; minus strand). Cytogenetic location: 9p13.3.
Variant type: single nucleotide variant.
Coding change: c.1603C>T on transcript NM_004629.2 (MANE Select); coding-DNA position 1603, C replaced by T.
Protein change: p.Gln535Ter; replaces glutamine 535 with a stop codon.
Molecular consequence: nonsense.
Genome position (GRCh38, 1-based): chr9:35,074,960, G>A on the plus strand (C>T on the coding strand, the complement: FANCG is on the minus strand). VCF-style: chr9-35074960-G-A. GRCh37 (hg19) VCF-style: chr9-35074957-G-A.
Other names: short protein forms Q535*.
Identifiers: ClinVar variation 3014254 (VCV003014254.3), dbSNP rs1235403176, ClinGen allele CA373303661.

ClinVar aggregate classification (germline): Pathogenic (1 of 4 stars; one submission).

Conditions:
Fanconi anemia (FA). Also called: Fanconi's anemia. Identifiers: Orphanet 84, MedGen C0015625, MeSH D005199, MONDO:0019391.

Submission:

Labcorp Genetics (formerly Invitae), Labcorp
Classification: Pathogenic for Fanconi anemia. Last evaluated: 2023-01-14. Review status: criteria provided, single submitter. Criteria: Invitae Variant Classification Sherloc (09022015). Collection method: clinical testing. Allele origin: germline.
Comment: This sequence change creates a premature translational stop signal (p.Gln535*) in the FANCG gene. It is expected to result in an absent or disrupted protein product. Loss-of-function variants in FANCG are known to be pathogenic (PMID: 12552564). This variant is not present in population databases (gnomAD no frequency). This variant has not been reported in the literature in individuals affected with FANCG-related conditions. Algorithms developed to predict the effect of sequence changes on RNA splicing suggest that this variant may disrupt the consensus splice site. For these reasons, this variant has been classified as Pathogenic.

Literature cited by the submitters: PubMed 12552564.